The following is an entry in ClinVar:

NM_212482.4(FN1):c.4828T>C (p.Tyr1610His)

Gene: FN1 (fibronectin 1; minus strand). Cytogenetic location: 2q35.
Variant type: single nucleotide variant.
Coding change: c.4828T>C on transcript NM_212482.4 (MANE Select); coding-DNA position 4828, T replaced by C.
Protein change: p.Tyr1610His; replaces tyrosine 1610 with histidine.
Molecular consequence: missense variant.
Genome position (GRCh38, 1-based): chr2:215,384,086, A>G on the plus strand (T>C on the coding strand, the complement: FN1 is on the minus strand). VCF-style: chr2-215384086-A-G. GRCh37 (hg19) VCF-style: chr2-216248809-A-G.
Other names: c.4555T>C, p.Tyr1519His (NM_001306131.2, NM_001306132.2, NM_001365518.2 and 7 more transcripts); c.4828T>C, p.Tyr1610His (NM_001365517.2, NM_001365519.2, NM_001365521.2 and 3 more transcripts); short protein forms Y1519H, Y1610H.
Identifiers: ClinVar variation 3516289 (VCV003516289.3).

ClinVar aggregate classification (germline): Conflicting classifications of pathogenicity. Review status: criteria provided, conflicting classifications (1 of 4 stars). 2 submissions from 2 submitters: Uncertain significance (1); Likely benign (1). Last evaluated 2024-10-13.

Conditions:
Inborn genetic diseases. Identifiers: MedGen C0950123, MeSH D030342.

gnomAD v4.1: 5 of 1,614,158 alleles (0.00031%); highest among the groups gnomAD compares: Admixed American, 0.0083%; no homozygotes.

Submissions (2):

Labcorp Genetics (formerly Invitae), Labcorp
Classification: Uncertain significance. Last evaluated: 2024-10-13. Review status: criteria provided, single submitter. Criteria: Invitae Variant Classification Sherloc (09022015). Collection method: clinical testing. Allele origin: germline.
Comment: This sequence change replaces tyrosine, which is neutral and polar, with histidine, which is basic and polar, at codon 1610 of the FN1 protein (p.Tyr1610His). This variant is present in population databases (rs778077184, gnomAD 0.009%). This variant has not been reported in the literature in individuals affected with FN1-related conditions. An algorithm developed to predict the effect of missense changes on protein structure and function outputs the following: PolyPhen-2: "Benign". The histidine amino acid residue is found in multiple mammalian species, which suggests that this missense change does not adversely affect protein function. In summary, the available evidence is currently insufficient to determine the role of this variant in disease. Therefore, it has been classified as a Variant of Uncertain Significance.

Ambry Genetics
Classification: Likely benign for Inborn genetic diseases. Last evaluated: 2024-09-30. Review status: criteria provided, single submitter. Criteria: Ambry Variant Classification Scheme 2023. Collection method: clinical testing. Allele origin: germline.